The following is an entry in ClinVar:

ClinVar aggregate classification (germline): Uncertain significance (1 of 4 stars; one submission).

Submission:

Labcorp Genetics (formerly Invitae), Labcorp
Classification: Uncertain significance. Last evaluated: 2024-11-11. Review status: criteria provided, single submitter. Criteria: Invitae Variant Classification Sherloc (09022015). Collection method: clinical testing. Allele origin: germline.
Comment: This sequence change replaces leucine, which is neutral and non-polar, with phenylalanine, which is neutral and non-polar, at codon 314 of the HMCN1 protein (p.Leu314Phe). This variant is not present in population databases (gnomAD no frequency). This variant has not been reported in the literature in individuals affected with HMCN1-related conditions. ClinVar contains an entry for this variant (Variation ID: 2092718). An algorithm developed to predict the effect of missense changes on protein structure and function (PolyPhen-2) suggests that this variant is likely to be disruptive. In summary, the available evidence is currently insufficient to determine the role of this variant in disease. Therefore, it has been classified as a Variant of Uncertain Significance.

NM_031935.3(HMCN1):c.940C>T (p.Leu314Phe)

Gene: HMCN1 (hemicentin 1; plus strand). Cytogenetic location: 1q31.1.
Variant type: single nucleotide variant.
Coding change: c.940C>T on transcript NM_031935.3 (MANE Select); coding-DNA position 940, C replaced by T.
Protein change: p.Leu314Phe; replaces leucine 314 with phenylalanine.
Molecular consequence: missense variant.
Genome position (GRCh38, 1-based): chr1:185,922,418, C>T. VCF-style: chr1-185922418-C-T. GRCh37 (hg19) VCF-style: chr1-185891550-C-T.
Other names: short protein forms L314F.
Identifiers: ClinVar variation 2092718 (VCV002092718.4), dbSNP rs2527108610, ClinGen allele CA343890861.